The following is an entry in ClinVar:

ClinVar aggregate classification (germline): Uncertain significance. Review status: criteria provided, single submitter (1 of 4 stars). 2 submissions from 2 submitters: Uncertain significance (1). 1 of the submissions does not count toward it. Last evaluated 2025-05-07.

Conditions:
Inborn genetic diseases. Identifiers: MedGen C0950123, MeSH D030342.
FAT1-related disorder. Also called: FAT1-related condition.

Allele frequency attached by ClinVar (database versions not stated): ESP Exome Variant Server 0.00008; ExAC 0.00020; gnomAD 0.00003; TOPMed 0.00003; 1000 Genomes Project 30x 0.00031; gnomAD exomes 0.00009; 1000 Genomes Project 0.00040.
gnomAD v4.1: 138 of 1,613,926 alleles (0.0086%); highest among the groups gnomAD compares: South Asian, 0.12%; no homozygotes.

Submissions (2):

Ambry Genetics
Classification: Uncertain significance for Inborn genetic diseases. Last evaluated: 2025-05-07. Review status: criteria provided, single submitter. Criteria: Ambry Variant Classification Scheme 2023. Collection method: clinical testing. Allele origin: germline.

PreventionGenetics, part of Exact Sciences
Classification: Likely benign for FAT1-related condition. Last evaluated: 2024-02-08. Review status: no assertion criteria provided. Collection method: clinical testing. Allele origin: germline. Not counted in ClinVar's aggregate classification.
Comment: This variant is classified as likely benign based on ACMG/AMP sequence variant interpretation guidelines (Richards et al. 2015 PMID: 25741868, with internal and published modifications).

NM_005245.4(FAT1):c.2608A>G (p.Ile870Val)

Gene: FAT1 (FAT atypical cadherin 1; minus strand). Cytogenetic location: 4q35.2.
Variant type: single nucleotide variant.
Coding change: c.2608A>G on transcript NM_005245.4 (MANE Select); coding-DNA position 2608, A replaced by G.
Protein change: p.Ile870Val; replaces isoleucine 870 with valine.
Molecular consequence: missense variant.
Genome position (GRCh38, 1-based): chr4:186,707,220, T>C on the plus strand (A>G on the coding strand, the complement: FAT1 is on the minus strand). VCF-style: chr4-186707220-T-C. GRCh37 (hg19) VCF-style: chr4-187628374-T-C.
Other names: short protein forms I870V.
Identifiers: ClinVar variation 3049130 (VCV003049130.3), dbSNP rs376282160, ClinGen allele CA3167232.